The following is an entry in ClinVar:

NM_000355.4(TCN2):c.1139A>C (p.Tyr380Ser)

Gene: TCN2 (transcobalamin 2; plus strand). Cytogenetic location: 22q12.2.
Variant type: single nucleotide variant.
Coding change: c.1139A>C on transcript NM_000355.4 (MANE Select); coding-DNA position 1139, A replaced by C.
Protein change: p.Tyr380Ser; replaces tyrosine 380 with serine.
Molecular consequence: missense variant.
Genome position (GRCh38, 1-based): chr22:30,623,000, A>C. VCF-style: chr22-30623000-A-C. GRCh37 (hg19) VCF-style: chr22-31018987-A-C.
Other names: c.1058A>C, p.Tyr353Ser (NM_001184726.2); short protein forms Y353S, Y380S.
Identifiers: ClinVar variation 1017149 (VCV001017149.10), dbSNP rs746024609, ClinGen allele CA10184998.

ClinVar aggregate classification (germline): Uncertain significance (1 of 4 stars; one submission).

Conditions:
Transcobalamin II deficiency (TCN2D). Also called: Transcolabamin II deficiency; TC II DEFICIENCY; TCN2 DEFICIENCY. Identifiers: Orphanet 859, MedGen C0342701, MONDO:0010149, OMIM 275350.

Allele frequency attached by ClinVar (database versions not stated): TOPMed 0.00001; ExAC 0.00002; gnomAD 0.00002; gnomAD exomes 0.00002.
gnomAD v4.1: 24 of 1,613,794 alleles (0.0015%); highest among the groups gnomAD compares: Non-Finnish European, 0.0019%; no homozygotes.

Submission:

Labcorp Genetics (formerly Invitae), Labcorp
Classification: Uncertain significance for Transcobalamin II deficiency. Last evaluated: 2025-03-31. Review status: criteria provided, single submitter. Criteria: Invitae Variant Classification Sherloc (09022015). Collection method: clinical testing. Allele origin: germline.
Comment: This sequence change replaces tyrosine, which is neutral and polar, with serine, which is neutral and polar, at codon 380 of the TCN2 protein (p.Tyr380Ser). This variant is present in population databases (rs746024609, gnomAD 0.006%). This variant has not been reported in the literature in individuals affected with TCN2-related conditions. ClinVar contains an entry for this variant (Variation ID: 1017149). Invitae Evidence Modeling of protein sequence and biophysical properties (such as structural, functional, and spatial information, amino acid conservation, physicochemical variation, residue mobility, and thermodynamic stability) indicates that this missense variant is expected to disrupt TCN2 protein function with a positive predictive value of 80%. In summary, the available evidence is currently insufficient to determine the role of this variant in disease. Therefore, it has been classified as a Variant of Uncertain Significance.